The following is an entry in ClinVar:

NM_000051.4(ATM):c.7705G>C (p.Asp2569His)

Genes: ATM (ATM serine/threonine kinase; plus strand), C11orf65 (chromosome 11 open reading frame 65; minus strand). Cytogenetic location: 11q22.3.
Variant type: single nucleotide variant.
Coding change: c.7705G>C on transcript NM_000051.4 (MANE Select); coding-DNA position 7705, G replaced by C.
Protein change: p.Asp2569His; replaces aspartic acid 2569 with histidine.
Molecular consequence: missense variant. On other transcripts: intron variant (2).
Genome position (GRCh38, 1-based): chr11:108,331,954, G>C. VCF-style: chr11-108331954-G-C. GRCh37 (hg19) VCF-style: chr11-108202681-G-C.
Other names: c.7705G>C, p.Asp2569His (NM_001351834.2); c.641-22883C>G (NM_001330368.2); c.*38+3266C>G (NM_001351110.2); short protein forms D2569H.
Identifiers: ClinVar variation 861747 (VCV000861747.10), dbSNP rs898880638, ClinGen allele CA382561046.

ClinVar aggregate classification (germline): Uncertain significance (1 of 4 stars; one submission).

Conditions:
Ataxia-telangiectasia syndrome (AT). Also called: ATAXIA-TELANGIECTASIA, COMPLEMENTATION GROUP A; ATAXIA-TELANGIECTASIA, FRESNO VARIANT; Ataxia-telangiectasia; Ataxia-telangiectasia, complementation group D; AT, COMPLEMENTATION GROUP C; Ataxia-telangiectasia, complementation group E. Identifiers: Orphanet 100, MedGen C0004135, MONDO:0008840, OMIM 208900.

gnomAD v4.1: 2 of 1,614,014 alleles (0.00012%); highest among the groups gnomAD compares: Non-Finnish European, 0.00017%; no homozygotes.

Submission:

Labcorp Genetics (formerly Invitae), Labcorp
Classification: Uncertain significance for Ataxia-telangiectasia syndrome. Last evaluated: 2024-03-28. Review status: criteria provided, single submitter. Criteria: Invitae Variant Classification Sherloc (09022015). Collection method: clinical testing. Allele origin: germline.
Comment: This sequence change replaces aspartic acid, which is acidic and polar, with histidine, which is basic and polar, at codon 2569 of the ATM protein (p.Asp2569His). This variant is not present in population databases (gnomAD no frequency). This variant has not been reported in the literature in individuals affected with ATM-related conditions. ClinVar contains an entry for this variant (Variation ID: 861747). An algorithm developed to predict the effect of missense changes on protein structure and function (PolyPhen-2) suggests that this variant is likely to be disruptive. In summary, the available evidence is currently insufficient to determine the role of this variant in disease. Therefore, it has been classified as a Variant of Uncertain Significance.